The following is an entry in ClinVar:

NM_005612.5(REST):c.2055G>A (p.Met685Ile)

Gene: REST (RE1 silencing transcription factor; plus strand). Cytogenetic location: 4q12.
Variant type: single nucleotide variant.
Coding change: c.2055G>A on transcript NM_005612.5 (MANE Select); coding-DNA position 2055, G replaced by A.
Protein change: p.Met685Ile; replaces methionine 685 with isoleucine.
Molecular consequence: missense variant.
Genome position (GRCh38, 1-based): chr4:56,930,913, G>A. VCF-style: chr4-56930913-G-A. GRCh37 (hg19) VCF-style: chr4-57797079-G-A.
Other names: c.2055G>A, p.Met685Ile (NM_001193508.2, NM_001363453.3); short protein forms M685I.
Identifiers: ClinVar variation 838694 (VCV000838694.9), dbSNP rs1720936153, ClinGen allele CA357007981.

ClinVar aggregate classification (germline): Uncertain significance (1 of 4 stars; one submission).

Allele frequency attached by ClinVar (database versions not stated): gnomAD exomes below 0.00001; TOPMed 0.00001.
gnomAD v4.1: 1 of 1,613,750 alleles (0.000062%); highest among the groups gnomAD compares: Non-Finnish European, 0.000085%; no homozygotes.

Submission:

Labcorp Genetics (formerly Invitae), Labcorp
Classification: Uncertain significance. Last evaluated: 2019-11-19. Review status: criteria provided, single submitter. Criteria: Invitae Variant Classification Sherloc (09022015). Collection method: clinical testing. Allele origin: germline.
Comment: In summary, the available evidence is currently insufficient to determine the role of this variant in disease. Therefore, it has been classified as a Variant of Uncertain Significance. Algorithms developed to predict the effect of sequence changes on RNA splicing suggest that this variant may create or strengthen a splice site, but this prediction has not been confirmed by published transcriptional studies. Algorithms developed to predict the effect of missense changes on protein structure and function output the following: SIFT: "Tolerated"; PolyPhen-2: "Benign"; Align-GVGD: "Class C0". The isoleucine amino acid residue is found in multiple mammalian species, suggesting that this missense change does not adversely affect protein function. These predictions have not been confirmed by published functional studies and their clinical significance is uncertain. This variant has not been reported in the literature in individuals with REST-related conditions. This variant is not present in population databases (ExAC no frequency). This sequence change replaces methionine with isoleucine at codon 685 of the REST protein (p.Met685Ile). The methionine residue is weakly conserved and there is a small physicochemical difference between methionine and isoleucine.